The following is an entry in ClinVar:

NM_001112741.2(KCNC1):c.1739A>G (p.Glu580Gly)

Gene: KCNC1 (potassium voltage-gated channel subfamily C member 1; plus strand). Cytogenetic location: 11p15.1.
Variant type: single nucleotide variant.
Coding change: c.1739A>G on transcript NM_001112741.2 (MANE Select); coding-DNA position 1739, A replaced by G.
Protein change: p.Glu580Gly; replaces glutamic acid 580 with glycine.
Molecular consequence: missense variant.
Genome position (GRCh38, 1-based): chr11:17,781,715, A>G. VCF-style: chr11-17781715-A-G. GRCh37 (hg19) VCF-style: chr11-17803262-A-G.
Other names: short protein forms E580G.
Identifiers: ClinVar variation 475353 (VCV000475353.9), dbSNP rs1284857169, ClinGen allele CA379815852.

ClinVar aggregate classification (germline): Uncertain significance (1 of 4 stars; one submission).

Conditions:
Progressive myoclonic epilepsy type 7. Identifiers: Orphanet 435438, MedGen C4015420, MONDO:0014521, OMIM 616187.

Allele frequency attached by ClinVar (database versions not stated): gnomAD exomes below 0.00001; gnomAD 0.00001; TOPMed 0.00002.
gnomAD v4.1: 3 of 1,551,398 alleles (0.00019%); highest among the groups gnomAD compares: Middle Eastern, 0.017%; no homozygotes.

Submission:

Labcorp Genetics (formerly Invitae), Labcorp
Classification: Uncertain significance for Progressive myoclonic epilepsy type 7. Last evaluated: 2022-10-07. Review status: criteria provided, single submitter. Criteria: Invitae Variant Classification Sherloc (09022015). Collection method: clinical testing. Allele origin: germline.
Comment: In summary, the available evidence is currently insufficient to determine the role of this variant in disease. Therefore, it has been classified as a Variant of Uncertain Significance. Algorithms developed to predict the effect of sequence changes on RNA splicing suggest that this variant may disrupt the consensus splice site. Advanced modeling of protein sequence and biophysical properties (such as structural, functional, and spatial information, amino acid conservation, physicochemical variation, residue mobility, and thermodynamic stability) performed at Invitae indicates that this missense variant is expected to disrupt KCNC1 protein function. ClinVar contains an entry for this variant (Variation ID: 475353). This variant has not been reported in the literature in individuals affected with KCNC1-related conditions. This variant is not present in population databases (gnomAD no frequency). This sequence change replaces glutamic acid, which is acidic and polar, with glycine, which is neutral and non-polar, at codon 580 of the KCNC1 protein (p.Glu580Gly).